The following is an entry in ClinVar:

NM_004984.4(KIF5A):c.2756-43A>C

Gene: KIF5A (kinesin family member 5A; plus strand). Cytogenetic location: 12q13.3.
Variant type: single nucleotide variant.
Coding change: c.2756-43A>C on transcript NM_004984.4 (MANE Select); 43 bases into the intron before coding-DNA position 2756, A replaced by C.
Molecular consequence: intron variant.
Genome position (GRCh38, 1-based): chr12:57,581,372, A>C. VCF-style: chr12-57581372-A-C. GRCh37 (hg19) VCF-style: chr12-57975155-A-C.
Other names: c.2489-43A>C (NM_001354705.2).
Identifiers: ClinVar variation 682861 (VCV000682861.2), dbSNP rs775246, ClinGen allele CA6653196.
Genomic context (GRCh38, chr12:57,581,372, plus strand): 5'-TATGTTACAAGCAACTCAGTTCAACCCCAGCTAAATGACCTCAGGGACCAGGGCAAATGC[A>C]GGGTCATAGCCTCCTCATGGTTGTTTTCTTTCTTTATTGCAGCCAAACCCGTCCGGCCTG-3'

ClinVar aggregate classification (germline): Benign. Review status: criteria provided, multiple submitters, no conflicts (2 of 4 stars). 2 submissions from 2 submitters: Benign (2). Last evaluated 2018-06-14.

Allele frequency attached by ClinVar (database versions not stated): 1000 Genomes Project 0.20327; 1000 Genomes Project 30x 0.20487; TOPMed 0.23388; ESP Exome Variant Server 0.24473.
gnomAD v4.1: 431,101 of 1,611,178 alleles (27%); highest among the groups gnomAD compares: Non-Finnish European, 28%; 59,128 homozygotes.

Submissions (2):

GeneDx
Classification: Benign. Last evaluated: 2018-06-14. Review status: criteria provided, single submitter. Criteria: GeneDx Variant Classification (06012015). Collection method: clinical testing. Allele origin: germline. Affected: yes.
Comment: This variant is considered likely benign or benign based on one or more of the following criteria: it is a conservative change, it occurs at a poorly conserved position in the protein, it is predicted to be benign by multiple in silico algorithms, and/or has population frequency not consistent with disease.

Breakthrough Genomics
Classification: Benign. Review status: criteria provided, single submitter. Criteria: ACMG Guidelines, 2015. Collection method: not provided. Allele origin: germline. Inheritance: Autosomal dominant inheritance. Affected: yes.